The following is an entry in ClinVar:

NM_016124.6(RHD):c.452G>A (p.Gly151Asp)

Genes: RHD (Rh blood group D antigen; plus strand), RSRP1 (arginine and serine rich protein 1; minus strand). Cytogenetic location: 1p36.11.
Variant type: single nucleotide variant.
Coding change: c.452G>A on transcript NM_016124.6 (MANE Select); coding-DNA position 452, G replaced by A.
Protein change: p.Gly151Asp; replaces glycine 151 with aspartic acid.
Molecular consequence: missense variant. On other transcripts: 5 prime UTR variant (1), intron variant (1).
Genome position (GRCh38, 1-based): chr1:25,290,757, G>A. VCF-style: chr1-25290757-G-A. GRCh37 (hg19) VCF-style: chr1-25617248-G-A.
Other names: c.452G>A, p.Gly151Asp (NM_001127691.3, NM_001282868.1, NM_001282869.2 and 3 more transcripts); c.-43G>A (NM_001282867.1); c.-66-43728C>T (NM_001321772.2); short protein forms G151D.
Identifiers: ClinVar variation 253025 (VCV000253025.5), dbSNP rs879255550, ClinGen allele CA10586161.
Genomic context (GRCh38, chr1:25,290,757, plus strand): 5'-TGGGGAAGGTCAACTTGGCGCAGTTGGTGGTGATGGTGCTGGTGGAGGTGACAGCTTTAG[G>A]CAACCTGAGGATGGTCATCAGTAATATCTTCAACGTGAGTCATGGTGCTGGGAGGAGGGA-3'
Protein context (NP_057208.3, residues 141-161): VMVLVEVTAL[Gly151Asp]NLRMVISNIF

ClinVar aggregate classification (germline): Affects (0 of 4 stars; one submission).

Conditions:
Blood group antigen abnormality. Identifiers: MedGen C4023620, HP:0010970.

Submission:

Australian Red Cross Blood Service
Classification: Affects for Blood group antigen abnormality. Last evaluated: 2016-03-03. Review status: no assertion criteria provided. Collection method: clinical testing. Allele origin: unknown. Inheritance: Autosomal recessive inheritance. Affected: yes. Observed: 1 variant allele, 1 hemizygote.
Comment: Red cells exhibited an unknown RhD reaction profile with the ALBAclone Advanced Partial RhD Typing Kit. MPS showed this sample to be hemizygous for RHD with one SNV (c.452G>A) predicting a p.G151N in the fifth helical transmembrane domain for the Rh protein. Although mutations in transmembrane helical domains are usually associated with weak D or DEL phenotypes, such changes may also weaken, destroy or create epitopes. No other SNVs were detected in RHD or RHAG and the mutation is therefore consistent with a novel allele within the RH blood group system.